The following is an entry in ClinVar:

NM_001553.3(IGFBP7):c.403G>A (p.Ala135Thr)

Genes: IGFBP7 (insulin like growth factor binding protein 7; minus strand), IGFBP7-AS1 (IGFBP7 antisense RNA 1; plus strand). Cytogenetic location: 4q12.
Variant type: single nucleotide variant.
Coding change: c.403G>A on transcript NM_001553.3 (MANE Select); coding-DNA position 403, G replaced by A.
Protein change: p.Ala135Thr; replaces alanine 135 with threonine.
Molecular consequence: missense variant. On other transcripts: non-coding transcript variant (1).
Genome position (GRCh38, 1-based): chr4:57,109,949, C>T on the plus strand (G>A on the coding strand, the complement: IGFBP7 is on the minus strand). VCF-style: chr4-57109949-C-T. GRCh37 (hg19) VCF-style: chr4-57976115-C-T.
Other names: c.403G>A, p.Ala135Thr (NM_001253835.2); short protein forms A135T.
Identifiers: ClinVar variation 3045248 (VCV003045248.2), dbSNP rs367949344, ClinGen allele CA2934094.

ClinVar aggregate classification (germline): Benign (0 of 4 stars; one submission).

Conditions:
IGFBP7-related disorder. Also called: IGFBP7-related condition.

Allele frequency attached by ClinVar (database versions not stated): gnomAD exomes 0.00052; gnomAD 0.00056; TOPMed 0.00061; ESP Exome Variant Server 0.00065; ExAC 0.00243.
gnomAD v4.1: 906 of 1,554,400 alleles (0.058%); highest among the groups gnomAD compares: Middle Eastern, 0.19%; 3 homozygotes.

Submission:

PreventionGenetics, part of Exact Sciences
Classification: Benign for IGFBP7-related condition. Last evaluated: 2019-11-11. Review status: no assertion criteria provided. Collection method: clinical testing. Allele origin: germline.
Comment: This variant is classified as benign based on ACMG/AMP sequence variant interpretation guidelines (Richards et al. 2015 PMID: 25741868, with internal and published modifications).